The following is an entry in ClinVar:

ClinVar aggregate classification (germline): Uncertain significance (1 of 4 stars; one submission).

Submission:

Labcorp Genetics (formerly Invitae), Labcorp
Classification: Uncertain significance. Last evaluated: 2026-01-12. Review status: criteria provided, single submitter. Criteria: Invitae Variant Classification Sherloc (09022015). Collection method: clinical testing. Allele origin: germline.
Comment: This sequence change replaces serine, which is neutral and polar, with threonine, which is neutral and polar, at codon 1592 of the APC2 protein (p.Ser1592Thr). The frequency data for this variant in the population databases is considered unreliable, as metrics indicate poor data quality at this position in the gnomAD database. This variant has not been reported in the literature in individuals affected with APC2-related conditions. An algorithm developed to predict the effect of missense changes on protein structure and function (PolyPhen-2) suggests that this variant is likely to be tolerated. In summary, the available evidence is currently insufficient to determine the role of this variant in disease. Therefore, it has been classified as a Variant of Uncertain Significance.

NM_005883.3(APC2):c.4774T>A (p.Ser1592Thr)

Gene: APC2 (APC regulator of Wnt signaling pathway 2; plus strand). Cytogenetic location: 19p13.3.
Variant type: single nucleotide variant.
Coding change: c.4774T>A on transcript NM_005883.3 (MANE Select); coding-DNA position 4774, T replaced by A.
Protein change: p.Ser1592Thr; replaces serine 1592 with threonine.
Molecular consequence: missense variant.
Genome position (GRCh38, 1-based): chr19:1,468,075, T>A. VCF-style: chr19-1468075-T-A. GRCh37 (hg19) VCF-style: chr19-1468074-T-A.
Other names: c.4771T>A, p.Ser1591Thr (NM_001351273.1); short protein forms S1591T, S1592T.
Identifiers: ClinVar variation 4730892 (VCV004730892.1).